The following is an entry in ClinVar:

NM_201384.3(PLEC):c.4362C>G (p.Ile1454Met)

Gene: PLEC (plectin; minus strand). Cytogenetic location: 8q24.3.
Variant type: single nucleotide variant.
Coding change: c.4362C>G on transcript NM_201384.3 (MANE Select); coding-DNA position 4362, C replaced by G.
Protein change: p.Ile1454Met; replaces isoleucine 1454 with methionine.
Molecular consequence: missense variant.
Genome position (GRCh38, 1-based): chr8:143,925,567, G>C on the plus strand (C>G on the coding strand, the complement: PLEC is on the minus strand). VCF-style: chr8-143925567-G-C. GRCh37 (hg19) VCF-style: chr8-144999735-G-C.
Other names: c.4443C>G, p.Ile1481Met (NM_000445.5); c.4320C>G, p.Ile1440Met (NM_201378.4); c.4296C>G, p.Ile1432Met (NM_201379.3); c.4773C>G, p.Ile1591Met (NM_201380.4); c.4266C>G, p.Ile1422Met (NM_201381.3); c.4362C>G, p.Ile1454Met (NM_201382.4); c.4374C>G, p.Ile1458Met (NM_201383.3); short protein forms I1440M, I1422M, I1432M, I1454M, I1458M, I1481M, I1591M.
Identifiers: ClinVar variation 1955078 (VCV001955078.5), dbSNP rs998894175, ClinGen allele CA187616919.

ClinVar aggregate classification (germline): Uncertain significance (1 of 4 stars; one submission).

Conditions:
Epidermolysis bullosa simplex 5B, with muscular dystrophy (EBS5B). Also called: Epidermolysis bullosa simplex with muscular dystrophy; EPIDERMOLYSIS BULLOSA SIMPLEX AND LIMB-GIRDLE MUSCULAR DYSTROPHY. Identifiers: Orphanet 257, MedGen C2931072, MONDO:0009181, OMIM 226670.
Epidermolysis bullosa simplex, Ogna type (EBS5A). Also called: Pidermolysis bullosa simplex 5A, Ogna type; EPIDERMOLYSIS BULLOSA SIMPLEX 5A, OGNA TYPE. Identifiers: Orphanet 79401, MedGen C0432317, MONDO:0007555, OMIM 131950.
Epidermolysis bullosa simplex with nail dystrophy (EBS5D). Identifiers: MedGen C4225309, MONDO:0014661, OMIM 616487.
Epidermolysis bullosa simplex 5C, with pyloric atresia (EBS5C). Also called: PLEC1-Related Epidermolysis Bullosa with Pyloric Atresia; PLEC-Related Epidermolysis Bullosa with Pyloric Atresia; Epidermolysis bullosa simplex with pyloric atresia. Identifiers: Orphanet 158684, MedGen C2677349, MONDO:0012807, OMIM 612138.
Autosomal recessive limb-girdle muscular dystrophy type 2Q (LGMDR17). Also called: MUSCULAR DYSTROPHY, LIMB-GIRDLE, AUTOSOMAL RECESSIVE 17. Identifiers: Orphanet 254361, MedGen C3150989, MONDO:0013390, OMIM 613723.

Submission:

Labcorp Genetics (formerly Invitae), Labcorp
Classification: Uncertain significance for Autosomal recessive limb-girdle muscular dystrophy type 2Q; Epidermolysis bullosa simplex, Ogna type; Epidermolysis bullosa simplex with nail dystrophy; Epidermolysis bullosa simplex 5C, with pyloric atresia; Epidermolysis bullosa simplex 5B, with muscular dystrophy. Last evaluated: 2022-07-11. Review status: criteria provided, single submitter. Criteria: Invitae Variant Classification Sherloc (09022015). Collection method: clinical testing. Allele origin: germline.
Comment: This variant is not present in population databases (gnomAD no frequency). This sequence change replaces isoleucine, which is neutral and non-polar, with methionine, which is neutral and non-polar, at codon 1481 of the PLEC protein (p.Ile1481Met). This variant has not been reported in the literature in individuals affected with PLEC-related conditions. In summary, the available evidence is currently insufficient to determine the role of this variant in disease. Therefore, it has been classified as a Variant of Uncertain Significance. Algorithms developed to predict the effect of missense changes on protein structure and function are either unavailable or do not agree on the potential impact of this missense change (SIFT: "Deleterious"; PolyPhen-2: "Not Available"; Align-GVGD: "Class C0").